The following is an entry in ClinVar:

ClinVar aggregate classification (germline): Uncertain significance (1 of 4 stars; one submission).

gnomAD v4.1: 51 of 1,612,788 alleles (0.0032%); highest among the groups gnomAD compares: Non-Finnish European, 0.0042%; no homozygotes.

Submission:

Labcorp Genetics (formerly Invitae), Labcorp
Classification: Uncertain significance. Last evaluated: 2024-04-18. Review status: criteria provided, single submitter. Criteria: Invitae Variant Classification Sherloc (09022015). Collection method: clinical testing. Allele origin: germline.
Comment: This sequence change replaces alanine, which is neutral and non-polar, with threonine, which is neutral and polar, at codon 688 of the AGAP1 protein (p.Ala688Thr). This variant is present in population databases (rs765171126, gnomAD 0.004%). This variant has not been reported in the literature in individuals affected with AGAP1-related conditions. An algorithm developed to predict the effect of missense changes on protein structure and function (PolyPhen-2) suggests that this variant is likely to be tolerated. In summary, the available evidence is currently insufficient to determine the role of this variant in disease. Therefore, it has been classified as a Variant of Uncertain Significance.

NM_001037131.3(AGAP1):c.2221G>A (p.Ala741Thr)

Gene: AGAP1 (ArfGAP with GTPase domain, ankyrin repeat and PH domain 1; plus strand). Cytogenetic location: 2q37.2.
Variant type: single nucleotide variant.
Coding change: c.2221G>A on transcript NM_001037131.3 (MANE Select); coding-DNA position 2221, G replaced by A.
Protein change: p.Ala741Thr; replaces alanine 741 with threonine.
Molecular consequence: missense variant.
Genome position (GRCh38, 1-based): chr2:236,120,298, G>A. VCF-style: chr2-236120298-G-A. GRCh37 (hg19) VCF-style: chr2-237028942-G-A.
Other names: c.2062G>A, p.Ala688Thr (NM_014914.5); short protein forms A688T, A741T.
Identifiers: ClinVar variation 3700939 (VCV003700939.2).
Genomic context (GRCh38, chr2:236,120,298, plus strand): 5'-TTCCTGGCCCCGCTGCCCTGCACGGAGCTGTCCCTGGGCCAGCACCTGCTGCGGGCCACC[G>A]CCGACGAGGACCTGCGGACGGCCATCCTGCTGCTGGCACACGGCTCCCGGGACGAGGTGA-3'
Protein context (NP_001032208.1, residues 731-751): SLGQHLLRAT[Ala741Thr]DEDLRTAILL